The following is an entry in ClinVar:

NM_000057.4(BLM):c.1622del (p.Asn541fs)

Gene: BLM (BLM RecQ like helicase; plus strand). Cytogenetic location: 15q26.1.
Variant type: Deletion.
Coding change: c.1622del on transcript NM_000057.4 (MANE Select); coding-DNA position 1622, one base deleted (A; older notation c.1622delA).
Protein change: p.Asn541fs; shifts the reading frame from asparagine 541.
Molecular consequence: frameshift variant.
Genome position (GRCh38, 1-based): chr15:90,760,995, A deleted; the last of 3 consecutive A bases (chr15:90,760,993-90,760,995); deleting any one gives the same sequence. VCF-style (leftmost placement, unchanged base first): chr15-90760992-TA-T. GRCh37 (hg19) VCF-style: chr15-91304222-TA-T.
Other names: c.1622del, p.Asn541fs (NM_001287246.2, NM_001287247.2); c.497del, p.Asn166fs (NM_001287248.2); short protein forms N166fs, N541fs.
Identifiers: ClinVar variation 2680178 (VCV002680178.4), dbSNP rs2505427549, ClinGen allele CA2630381041.
Genomic context (GRCh38, chr15:90,760,992, plus strand): 5'-TCCCAGGAAATGTTCTCACAAGCACTGCTGTGAAAGATCAGAATAAACATACTGCTTCAA[TA>T]AATGACTTAGAAAGAGAAACCCAACCTTCCTATGATATTGATAATTTTGACATAGATGAC-3'

ClinVar aggregate classification (germline): Pathogenic/Likely pathogenic. Review status: criteria provided, multiple submitters, no conflicts (2 of 4 stars). 2 submissions from 2 submitters: Pathogenic (1); Likely pathogenic (1). Last evaluated 2023-04-07.

Conditions:
Bloom syndrome (BLM). Also called: Bloom-Torre-Machacek syndrome. Identifiers: Orphanet 125, MedGen C0005859, MONDO:0008876, OMIM 210900.

Submissions (2):

Baylor Genetics
Classification: Likely pathogenic for Bloom syndrome. Last evaluated: 2023-04-07. Review status: criteria provided, single submitter. Criteria: ACMG Guidelines, 2015. Collection method: clinical testing. Allele origin: unknown.

Labcorp Genetics (formerly Invitae), Labcorp
Classification: Pathogenic for Bloom syndrome. Last evaluated: 2022-11-10. Review status: criteria provided, single submitter. Criteria: Invitae Variant Classification Sherloc (09022015). Collection method: clinical testing. Allele origin: germline.
Comment: For these reasons, this variant has been classified as Pathogenic. This variant has not been reported in the literature in individuals affected with BLM-related conditions. This variant is not present in population databases (gnomAD no frequency). This sequence change creates a premature translational stop signal (p.Asn541Metfs*3) in the BLM gene. It is expected to result in an absent or disrupted protein product. Loss-of-function variants in BLM are known to be pathogenic (PMID: 17407155).

Literature cited by the submitters: PubMed 17407155 (cited by Labcorp Genetics (formerly Invitae), Labcorp).